The following is an entry in ClinVar:

ClinVar aggregate classification (germline): Uncertain significance. Review status: criteria provided, multiple submitters, no conflicts (2 of 4 stars). 2 submissions from 2 submitters: Uncertain significance (2). Last evaluated 2024-10-08.

Conditions:
Cardiovascular phenotype. Identifiers: MedGen CN230736.

Allele frequency attached by ClinVar (database versions not stated): gnomAD 0.00001; TOPMed 0.00002.

Submissions (2):

Labcorp Genetics (formerly Invitae), Labcorp
Classification: Uncertain significance. Last evaluated: 2024-10-08. Review status: criteria provided, single submitter. Criteria: Invitae Variant Classification Sherloc (09022015). Collection method: clinical testing. Allele origin: germline.
Comment: This sequence change replaces glycine, which is neutral and non-polar, with valine, which is neutral and non-polar, at codon 1315 of the ALPK3 protein (p.Gly1315Val). The frequency data for this variant in the population databases is considered unreliable, as metrics indicate poor data quality at this position in the gnomAD database. This variant has not been reported in the literature in individuals affected with ALPK3-related conditions. ClinVar contains an entry for this variant (Variation ID: 1736375). Invitae Evidence Modeling of protein sequence and biophysical properties (such as structural, functional, and spatial information, amino acid conservation, physicochemical variation, residue mobility, and thermodynamic stability) has been performed for this missense variant. However, the output from this modeling did not meet the statistical confidence thresholds required to predict the impact of this variant on ALPK3 protein function. In summary, the available evidence is currently insufficient to determine the role of this variant in disease. Therefore, it has been classified as a Variant of Uncertain Significance.

Ambry Genetics
Classification: Uncertain significance for Cardiovascular phenotype. Last evaluated: 2022-05-30. Review status: criteria provided, single submitter. Criteria: Ambry Variant Classification Scheme 2023. Collection method: clinical testing. Allele origin: germline.
Comment: The p.G1315V variant (also known as c.3944G>T), located in coding exon 6 of the ALPK3 gene, results from a G to T substitution at nucleotide position 3944. The glycine at codon 1315 is replaced by valine, an amino acid with dissimilar properties. This amino acid position is conserved. In addition, this alteration is predicted to be tolerated by in silico analysis. Since supporting evidence is limited at this time, the clinical significance of this alteration remains unclear.

NM_020778.5(ALPK3):c.3338G>T (p.Gly1113Val)

Gene: ALPK3 (alpha kinase 3; plus strand). Cytogenetic location: 15q25.3.
Variant type: single nucleotide variant.
Coding change: c.3338G>T on transcript NM_020778.5 (MANE Select); coding-DNA position 3338, G replaced by T.
Protein change: p.Gly1113Val; replaces glycine 1113 with valine.
Molecular consequence: missense variant.
Genome position (GRCh38, 1-based): chr15:84,858,076, G>T. VCF-style: chr15-84858076-G-T. GRCh37 (hg19) VCF-style: chr15-85401307-G-T.
Other names: short protein forms G1113V.
Identifiers: ClinVar variation 1736375 (VCV001736375.4), dbSNP rs1408379862, ClinGen allele CA393360078.